The following is an entry in ClinVar:

ClinVar aggregate classification (germline): Uncertain significance (1 of 4 stars; one submission).

Conditions:
EGFR-related lung cancer (EGFR). Identifiers: MedGen CN130014.

Allele frequency attached by ClinVar (database versions not stated): gnomAD exomes below 0.00001.
gnomAD v4.1: 1 of 1,614,238 alleles (0.000062%); highest among the groups gnomAD compares: South Asian, 0.0011%; no homozygotes.

Submission:

Labcorp Genetics (formerly Invitae), Labcorp
Classification: Uncertain significance for EGFR-related lung cancer. Last evaluated: 2022-02-20. Review status: criteria provided, single submitter. Criteria: Invitae Variant Classification Sherloc (09022015). Collection method: clinical testing. Allele origin: germline.
Comment: This sequence change replaces alanine, which is neutral and non-polar, with aspartic acid, which is acidic and polar, at codon 409 of the EGFR protein (p.Ala409Asp). This variant is not present in population databases (gnomAD no frequency). This variant has not been reported in the literature in individuals affected with EGFR-related conditions. Algorithms developed to predict the effect of missense changes on protein structure and function (SIFT, PolyPhen-2, Align-GVGD) all suggest that this variant is likely to be tolerated. In summary, the available evidence is currently insufficient to determine the role of this variant in disease. Therefore, it has been classified as a Variant of Uncertain Significance.

NM_005228.5(EGFR):c.1226C>A (p.Ala409Asp)

Gene: EGFR (epidermal growth factor receptor; plus strand). Cytogenetic location: 7p11.2.
Variant type: single nucleotide variant.
Coding change: c.1226C>A on transcript NM_005228.5 (MANE Select); coding-DNA position 1226, C replaced by A.
Protein change: p.Ala409Asp; replaces alanine 409 with aspartic acid.
Molecular consequence: missense variant.
Genome position (GRCh38, 1-based): chr7:55,157,681, C>A. VCF-style: chr7-55157681-C-A. GRCh37 (hg19) VCF-style: chr7-55225374-C-A.
Other names: c.1091C>A, p.Ala364Asp (NM_001346899.2, NM_001346897.2); c.1067C>A, p.Ala356Asp (NM_001346900.2); c.425C>A, p.Ala142Asp (NM_001346941.2); c.1226C>A, p.Ala409Asp (NM_201282.2, NM_201284.2, NM_001346898.2); short protein forms A356D, A364D, A142D, A409D.
Identifiers: ClinVar variation 1364868 (VCV001364868.6), dbSNP rs2128939623, ClinGen allele CA367579128.